The following is an entry in ClinVar:

NM_145868.2(ANXA11):c.1205C>T (p.Thr402Ile)

Genes: ANXA11 (annexin A11; minus strand), LOC126860977 (CDK7 strongly-dependent group 2 enhancer GRCh37_chr10:81917938-81919137; plus strand). Cytogenetic location: 10q22.3.
Variant type: single nucleotide variant.
Coding change: c.1205C>T on transcript NM_145868.2 (MANE Select); coding-DNA position 1205, C replaced by T.
Protein change: p.Thr402Ile; replaces threonine 402 with isoleucine.
Molecular consequence: missense variant.
Genome position (GRCh38, 1-based): chr10:80,159,171, G>A on the plus strand (C>T on the coding strand, the complement: ANXA11 is on the minus strand). VCF-style: chr10-80159171-G-A. GRCh37 (hg19) VCF-style: chr10-81918927-G-A.
Other names: c.1205C>T, p.Thr402Ile (NM_001157.3, NM_001278407.2, NM_001278408.2 and 1 more transcripts); c.1106C>T, p.Thr369Ile (NM_001278409.2); short protein forms T402I, T369I.
Identifiers: ClinVar variation 1476146 (VCV001476146.8), dbSNP rs1845407637, ClinGen allele CA377365212.
Genomic context (GRCh38, chr10:80,159,171, plus strand): 5'-ATGCCCTCCTCCAGGTCCCCGGACATCTCCCGGCAGATGCTCTTCTCAATGTCCCGGCCT[G>A]TCATTCTCTGGTACTCATTGAAAACTATGGGGATGACAGAGGCTTATATTATGAACTGAA-3'
Protein context (NP_665875.1, residues 392-412): VAVFNEYQRM[Thr402Ile]GRDIEKSICR

ClinVar aggregate classification (germline): Uncertain significance (1 of 4 stars; one submission).

gnomAD v4.1: 1 of 1,614,082 alleles (0.000062%); highest among the groups gnomAD compares: Non-Finnish European, 0.000085%; no homozygotes.

Submission:

Labcorp Genetics (formerly Invitae), Labcorp
Classification: Uncertain significance. Last evaluated: 2021-04-15. Review status: criteria provided, single submitter. Criteria: Invitae Variant Classification Sherloc (09022015). Collection method: clinical testing. Allele origin: germline.
Comment: In summary, the available evidence is currently insufficient to determine the role of this variant in disease. Therefore, it has been classified as a Variant of Uncertain Significance. Algorithms developed to predict the effect of missense changes on protein structure and function are either unavailable or do not agree on the potential impact of this missense change (SIFT: "Tolerated"; PolyPhen-2: "Possibly Damaging"; Align-GVGD: "Class C0"). This variant has not been reported in the literature in individuals with ANXA11-related conditions. This variant is not present in population databases (ExAC no frequency). This sequence change replaces threonine with isoleucine at codon 402 of the ANXA11 protein (p.Thr402Ile). The threonine residue is moderately conserved and there is a moderate physicochemical difference between threonine and isoleucine.